The following is an entry in ClinVar:

ClinVar aggregate classification (germline): Uncertain significance (1 of 4 stars; one submission).

Conditions:
Mitochondrial trifunctional protein deficiency. Identifiers: Orphanet 746, MedGen C1969443, MONDO:0012172.

Allele frequency attached by ClinVar (database versions not stated): gnomAD 0.00004; TOPMed 0.00005; ExAC 0.00006.
gnomAD v4.1: 38 of 1,613,866 alleles (0.0024%); highest among the groups gnomAD compares: East Asian, 0.022%; no homozygotes.

Submission:

Labcorp Genetics (formerly Invitae), Labcorp
Classification: Uncertain significance for Mitochondrial trifunctional protein deficiency. Last evaluated: 2022-03-26. Review status: criteria provided, single submitter. Criteria: Invitae Variant Classification Sherloc (09022015). Collection method: clinical testing. Allele origin: germline.
Comment: This sequence change replaces aspartic acid, which is acidic and polar, with asparagine, which is neutral and polar, at codon 170 of the HADHB protein (p.Asp170Asn). This variant is present in population databases (rs35274385, gnomAD 0.07%). This variant has not been reported in the literature in individuals affected with HADHB-related conditions. Algorithms developed to predict the effect of missense changes on protein structure and function are either unavailable or do not agree on the potential impact of this missense change (SIFT: "Deleterious"; PolyPhen-2: "Probably Damaging"; Align-GVGD: "Class C15"). In summary, the available evidence is currently insufficient to determine the role of this variant in disease. Therefore, it has been classified as a Variant of Uncertain Significance.

NM_000183.3(HADHB):c.508G>A (p.Asp170Asn)

Gene: HADHB (hydroxyacyl-CoA dehydrogenase trifunctional multienzyme complex subunit beta; plus strand). Cytogenetic location: 2p23.3.
Variant type: single nucleotide variant.
Coding change: c.508G>A on transcript NM_000183.3 (MANE Select); coding-DNA position 508, G replaced by A.
Protein change: p.Asp170Asn; replaces aspartic acid 170 with asparagine.
Molecular consequence: missense variant.
Genome position (GRCh38, 1-based): chr2:26,278,679, G>A. VCF-style: chr2-26278679-G-A. GRCh37 (hg19) VCF-style: chr2-26501547-G-A.
Other names: c.463G>A, p.Asp155Asn (NM_001281512.2); c.442G>A, p.Asp148Asn (NM_001281513.2); short protein forms D148N, D155N, D170N.
Identifiers: ClinVar variation 2417777 (VCV002417777.8), dbSNP rs35274385, ClinGen allele CA1560255.